The following is an entry in ClinVar:

NM_001648.2(KLK3):c.645C>G (p.Gly215=)

Gene: KLK3 (kallikrein related peptidase 3; plus strand). Cytogenetic location: 19q13.33.
Variant type: single nucleotide variant.
Coding change: c.645C>G on transcript NM_001648.2 (MANE Select); coding-DNA position 645, C replaced by G.
Protein change: p.Gly215=; no amino-acid change (glycine 215 retained).
Molecular consequence: synonymous variant. On other transcripts: 3 prime UTR variant (1).
Genome position (GRCh38, 1-based): chr19:50,859,986, C>G. VCF-style: chr19-50859986-C-G. GRCh37 (hg19) VCF-style: chr19-51363242-C-G.
Other names: c.*370C>G (NM_001030047.1); c.516C>G, p.Gly172= (NM_001030048.1).
Identifiers: ClinVar variation 3043948 (VCV003043948.2), dbSNP rs549637095, ClinGen allele CA9604586.
Genomic context (GRCh38, chr19:50,859,986, plus strand): 5'-AAACTGGGACTGACCTATCTCACTCTCTCCCTGCTTTTACCCTTAGGGTGATTCTGGGGG[C>G]CCACTTGTCTGTAATGGTGTGCTTCAAGGTATCACGTCATGGGGCAGTGAACCATGTGCC-3'
Protein context (NP_001639.1, residues 205-225): GKSTCSGDSG[Gly215=]PLVCNGVLQG

ClinVar aggregate classification (germline): Likely benign (0 of 4 stars; one submission).

Conditions:
KLK3-related disorder. Also called: KLK3-related condition.

Allele frequency attached by ClinVar (database versions not stated): gnomAD 0.00001; TOPMed 0.00001; gnomAD exomes 0.00002; ExAC 0.00006; 1000 Genomes Project 30x 0.00031; 1000 Genomes Project 0.00040.
gnomAD v4.1: 33 of 1,612,762 alleles (0.002%); highest among the groups gnomAD compares: South Asian, 0.032%; no homozygotes.

Submission:

PreventionGenetics, part of Exact Sciences
Classification: Likely benign for KLK3-related condition. Last evaluated: 2019-06-07. Review status: no assertion criteria provided. Collection method: clinical testing. Allele origin: germline.
Comment: This variant is classified as likely benign based on ACMG/AMP sequence variant interpretation guidelines (Richards et al. 2015 PMID: 25741868, with internal and published modifications).